The following is an entry in ClinVar:

ClinVar aggregate classification (germline): Uncertain significance (1 of 4 stars; one submission).

gnomAD v4.1: 3 of 1,613,828 alleles (0.00019%); highest among the groups gnomAD compares: African/African-American, 0.0013%; no homozygotes.

Submission:

Labcorp Genetics (formerly Invitae), Labcorp
Classification: Uncertain significance. Last evaluated: 2025-03-25. Review status: criteria provided, single submitter. Criteria: Invitae Variant Classification Sherloc (09022015). Collection method: clinical testing. Allele origin: germline.
Comment: This sequence change replaces alanine, which is neutral and non-polar, with glycine, which is neutral and non-polar, at codon 515 of the CACNA1D protein (p.Ala515Gly). This variant is present in population databases (no rsID available, gnomAD 0.003%). This variant has not been reported in the literature in individuals affected with CACNA1D-related conditions. Invitae Evidence Modeling of protein sequence and biophysical properties (such as structural, functional, and spatial information, amino acid conservation, physicochemical variation, residue mobility, and thermodynamic stability) indicates that this missense variant is not expected to disrupt CACNA1D protein function with a negative predictive value of 80%. In summary, the available evidence is currently insufficient to determine the role of this variant in disease. Therefore, it has been classified as a Variant of Uncertain Significance.

NM_001128840.3(CACNA1D):c.1484C>G (p.Ala495Gly)

Gene: CACNA1D (calcium voltage-gated channel subunit alpha1 D; plus strand). Cytogenetic location: 3p21.1.
Variant type: single nucleotide variant.
Coding change: c.1484C>G on transcript NM_001128840.3 (MANE Select); coding-DNA position 1484, C replaced by G.
Protein change: p.Ala495Gly; replaces alanine 495 with glycine.
Molecular consequence: missense variant.
Genome position (GRCh38, 1-based): chr3:53,719,760, C>G. VCF-style: chr3-53719760-C-G. GRCh37 (hg19) VCF-style: chr3-53753787-C-G.
Other names: c.1544C>G, p.Ala515Gly (NM_000720.4); c.1484C>G, p.Ala495Gly (NM_001128839.3); short protein forms A515G, A495G.
Identifiers: ClinVar variation 4753066 (VCV004753066.1).
Genomic context (GRCh38, chr3:53,719,760, plus strand): 5'-GTGTGTGCTCAAGCCCTCGGAACCAGAATCTTAACACTTTTTGTCTTTCTTTCAGTCAAG[C>G]CATCTCAAAATCCAAACTCAGGTCAGTATCTTCTTTCTGTTTCTTCGTCAGCCTGTGTGT-3'
Protein context (NP_001122312.1, residues 485-505): NRGCCGSLCQ[Ala495Gly]ISKSKLSRRW